The following is an entry in ClinVar:

ClinVar aggregate classification (germline): Uncertain significance (1 of 4 stars; one submission).

Allele frequency attached by ClinVar (database versions not stated): gnomAD 0.00002; TOPMed 0.00004; ExAC 0.00006.
gnomAD v4.1: 55 of 1,606,834 alleles (0.0034%); highest among the groups gnomAD compares: South Asian, 0.0088%; no homozygotes.

Submission:

Labcorp Genetics (formerly Invitae), Labcorp
Classification: Uncertain significance. Last evaluated: 2021-12-19. Review status: criteria provided, single submitter. Criteria: Invitae Variant Classification Sherloc (09022015). Collection method: clinical testing. Allele origin: germline.
Comment: In summary, the available evidence is currently insufficient to determine the role of this variant in disease. Therefore, it has been classified as a Variant of Uncertain Significance. Algorithms developed to predict the effect of missense changes on protein structure and function (SIFT, PolyPhen-2, Align-GVGD) all suggest that this variant is likely to be tolerated. This variant has not been reported in the literature in individuals affected with FGFRL1-related conditions. This variant is present in population databases (rs780279438, gnomAD 0.01%). This sequence change replaces arginine, which is basic and polar, with histidine, which is basic and polar, at codon 222 of the FGFRL1 protein (p.Arg222His).

NM_001004356.3(FGFRL1):c.665G>A (p.Arg222His)

Gene: FGFRL1 (fibroblast growth factor receptor like 1; plus strand). Cytogenetic location: 4p16.3.
Variant type: single nucleotide variant.
Coding change: c.665G>A on transcript NM_001004356.3 (MANE Select); coding-DNA position 665, G replaced by A.
Protein change: p.Arg222His; replaces arginine 222 with histidine.
Molecular consequence: missense variant.
Genome position (GRCh38, 1-based): chr4:1,024,048, G>A. VCF-style: chr4-1024048-G-A. GRCh37 (hg19) VCF-style: chr4-1017836-G-A.
Other names: c.665G>A, p.Arg222His (NM_001004358.1, NM_001370296.1, NM_021923.3); short protein forms R222H.
Identifiers: ClinVar variation 2163809 (VCV002163809.4), dbSNP rs780279438, ClinGen allele CA2802791.